The following is an entry in ClinVar:

ClinVar aggregate classification (germline): Uncertain significance. Review status: criteria provided, multiple submitters, no conflicts (2 of 4 stars). 3 submissions from 3 submitters: Uncertain significance (3). Last evaluated 2026-01-21.

Conditions:
Inborn genetic diseases. Identifiers: MedGen C0950123, MeSH D030342.
SCAPER-related disorder. Also called: SCAPER-related condition.

gnomAD v4.1: 7 of 1,611,750 alleles (0.00043%); highest among the groups gnomAD compares: Admixed American, 0.005%; no homozygotes.

Submissions (3):

PreventionGenetics, part of Exact Sciences
Classification: Uncertain significance for SCAPER-related condition. Last evaluated: 2026-01-21. Review status: criteria provided, single submitter. Criteria: ACMG Guidelines, 2015. Collection method: clinical testing. Allele origin: germline.
Comment: The SCAPER c.1756C>T variant is predicted to result in the amino acid substitution p.Arg586Trp. To our knowledge, this variant has not been reported in the literature. This variant is reported in 0.0033% of alleles in individuals of South Asian descent in gnomAD. At this time, the clinical significance of this variant is uncertain due to the absence of conclusive functional and genetic evidence.

Ambry Genetics
Classification: Uncertain significance for Inborn genetic diseases. Last evaluated: 2025-06-25. Review status: criteria provided, single submitter. Criteria: Ambry Variant Classification Scheme 2023. Collection method: clinical testing. Allele origin: germline.

Blueprint Genetics
Classification: Uncertain significance. Last evaluated: 2022-02-09. Review status: criteria provided, single submitter. Criteria: ACMG Guidelines, 2015. Collection method: clinical testing. Allele origin: germline.

NM_020843.4(SCAPER):c.1738C>T (p.Arg580Trp)

Gene: SCAPER (S-phase cyclin A associated protein in the ER; minus strand). Cytogenetic location: 15q24.3.
Variant type: single nucleotide variant.
Coding change: c.1738C>T on transcript NM_020843.4 (MANE Select); coding-DNA position 1738, C replaced by T.
Protein change: p.Arg580Trp; replaces arginine 580 with tryptophan.
Molecular consequence: missense variant. On other transcripts: non-coding transcript variant (1).
Genome position (GRCh38, 1-based): chr15:76,753,936, G>A on the plus strand (C>T on the coding strand, the complement: SCAPER is on the minus strand). VCF-style: chr15-76753936-G-A. GRCh37 (hg19) VCF-style: chr15-77046277-G-A.
Other names: c.1756C>T (NM_001353009.1); c.1000C>T, p.Arg334Trp (NM_001145923.2); c.1756C>T, p.Arg586Trp (NM_001353009.2); c.1336C>T, p.Arg446Trp (NM_001353010.2, NM_001353012.2); c.1354C>T, p.Arg452Trp (NM_001353011.2); short protein forms R452W, R580W, R446W, R586W, R334W.
Identifiers: ClinVar variation 4160238 (VCV004160238.3).